The following is an entry in ClinVar:

NM_000275.3(OCA2):c.327G>A (p.Gly109=)

Gene: OCA2 (OCA2 melanosomal transmembrane protein; minus strand). Cytogenetic location: 15q13.1.
Variant type: single nucleotide variant.
Coding change: c.327G>A on transcript NM_000275.3 (MANE Select); coding-DNA position 327, G replaced by A.
Protein change: p.Gly109=; no amino-acid change (glycine 109 retained).
Molecular consequence: synonymous variant.
Genome position (GRCh38, 1-based): chr15:28,028,059, C>T on the plus strand (G>A on the coding strand, the complement: OCA2 is on the minus strand). VCF-style: chr15-28028059-C-T. GRCh37 (hg19) VCF-style: chr15-28273205-C-T.
Other names: c.327G>A, p.Gly109= (NM_001300984.2).
Identifiers: ClinVar variation 1520729 (VCV001520729.6), dbSNP rs751357554, ClinGen allele CA7439509.

ClinVar aggregate classification (germline): Uncertain significance (1 of 4 stars; one submission).

Allele frequency attached by ClinVar (database versions not stated): gnomAD exomes below 0.00001; ExAC 0.00001.

Submission:

Labcorp Genetics (formerly Invitae), Labcorp
Classification: Uncertain significance. Last evaluated: 2021-09-22. Review status: criteria provided, single submitter. Criteria: Invitae Variant Classification Sherloc (09022015). Collection method: clinical testing. Allele origin: germline.
Comment: This sequence change affects codon 109 of the OCA2 mRNA. It is a 'silent' change, meaning that it does not change the encoded amino acid sequence of the OCA2 protein. It affects a nucleotide within the consensus splice site of the intron. This variant is present in population databases (rs751357554, ExAC 0.001%). In summary, the available evidence is currently insufficient to determine the role of this variant in disease. Therefore, it has been classified as a Variant of Uncertain Significance. Algorithms developed to predict the effect of sequence changes on RNA splicing suggest that this variant is not likely to affect RNA splicing. This variant has not been reported in the literature in individuals affected with OCA2-related conditions.